The following is an entry in ClinVar:

NM_006206.6(PDGFRA):c.2197G>A (p.Asp733Asn)

Gene: PDGFRA (platelet derived growth factor receptor alpha; plus strand). Cytogenetic location: 4q12.
Variant type: single nucleotide variant.
Coding change: c.2197G>A on transcript NM_006206.6 (MANE Select); coding-DNA position 2197, G replaced by A.
Protein change: p.Asp733Asn; replaces aspartic acid 733 with asparagine.
Molecular consequence: missense variant.
Genome position (GRCh38, 1-based): chr4:54,280,356, G>A. VCF-style: chr4-54280356-G-A. GRCh37 (hg19) VCF-style: chr4-55146523-G-A.
Other names: c.2197G>A, p.Asp733Asn (NM_001347827.2, NM_001347829.2); c.2272G>A, p.Asp758Asn (NM_001347828.2); c.2236G>A, p.Asp746Asn (NM_001347830.2); short protein forms D733N, D746N, D758N.
Identifiers: ClinVar variation 933342 (VCV000933342.11), dbSNP rs1724003326, ClinGen allele CA356894280.

ClinVar aggregate classification (germline): Uncertain significance. Review status: criteria provided, multiple submitters, no conflicts (2 of 4 stars). 2 submissions from 2 submitters: Uncertain significance (2). Last evaluated 2025-05-10.

Conditions:
Hereditary cancer-predisposing syndrome. Also called: Hereditary neoplastic syndrome; Neoplastic Syndromes, Hereditary; Hereditary Cancer Syndrome; Tumor predisposition. Identifiers: Orphanet 140162, MedGen C0027672, MeSH D009386, MONDO:0015356.
Gastrointestinal stromal tumor. Also called: Gastrointestinal stromal tumor, somatic; Gastrointestinal stroma tumor. Identifiers: Orphanet 44890, MedGen C0238198, MeSH D046152, MONDO:0011719, OMIM 606764, HP:0100723.

Submissions (2):

Ambry Genetics
Classification: Uncertain significance for Hereditary cancer-predisposing syndrome. Last evaluated: 2025-05-10. Review status: criteria provided, single submitter. Criteria: Ambry Variant Classification Scheme 2023. Collection method: clinical testing. Allele origin: germline.
Comment: The p.D733N variant (also known as c.2197G>A), located in coding exon 15 of the PDGFRA gene, results from a G to A substitution at nucleotide position 2197. The aspartic acid at codon 733 is replaced by asparagine, an amino acid with highly similar properties. This amino acid position is highly conserved in available vertebrate species. In addition, this alteration is predicted to be tolerated by in silico analysis. Based on the available evidence, the clinical significance of this variant remains unclear.

Labcorp Genetics (formerly Invitae), Labcorp
Classification: Uncertain significance for Gastrointestinal stromal tumor. Last evaluated: 2024-08-05. Review status: criteria provided, single submitter. Criteria: Invitae Variant Classification Sherloc (09022015). Collection method: clinical testing. Allele origin: germline.
Comment: This sequence change replaces aspartic acid, which is acidic and polar, with asparagine, which is neutral and polar, at codon 733 of the PDGFRA protein (p.Asp733Asn). This variant is not present in population databases (gnomAD no frequency). This variant has not been reported in the literature in individuals affected with PDGFRA-related conditions. ClinVar contains an entry for this variant (Variation ID: 933342). Advanced modeling of protein sequence and biophysical properties (such as structural, functional, and spatial information, amino acid conservation, physicochemical variation, residue mobility, and thermodynamic stability) performed at Invitae indicates that this missense variant is not expected to disrupt PDGFRA protein function with a negative predictive value of 80%. In summary, the available evidence is currently insufficient to determine the role of this variant in disease. Therefore, it has been classified as a Variant of Uncertain Significance.